The following is an entry in ClinVar:

ClinVar aggregate classification (germline): Uncertain significance (1 of 4 stars; one submission).

Conditions:
Aicardi-Goutieres syndrome 7 (AGS7). Identifiers: Orphanet 51, MedGen C3888244, MONDO:0014367, OMIM 615846.
Singleton-Merten syndrome 1 (SGMRT1). Also called: Widened medullary cavities of bone, aortic calcification, abnormal dentition, and muscular weakness; Syndrome of widened medullary cavities of the metacarpals and phalanges, aortic calcification and abnormal dentition. Identifiers: Orphanet 85191, MedGen C4225427, MONDO:0024535, OMIM 182250.

gnomAD v4.1: 3 of 1,613,070 alleles (0.00019%); highest among the groups gnomAD compares: Non-Finnish European, 0.00025%; no homozygotes.

Submission:

Labcorp Genetics (formerly Invitae), Labcorp
Classification: Uncertain significance for Aicardi-Goutieres syndrome 7; Singleton-Merten syndrome 1. Last evaluated: 2022-08-09. Review status: criteria provided, single submitter. Criteria: Invitae Variant Classification Sherloc (09022015). Collection method: clinical testing. Allele origin: germline.
Comment: This sequence change replaces threonine, which is neutral and polar, with isoleucine, which is neutral and non-polar, at codon 616 of the IFIH1 protein (p.Thr616Ile). Algorithms developed to predict the effect of missense changes on protein structure and function (SIFT, PolyPhen-2, Align-GVGD) all suggest that this variant is likely to be tolerated. This variant has not been reported in the literature in individuals affected with IFIH1-related conditions. This variant is present in population databases (no rsID available, gnomAD 0.0009%). In summary, the available evidence is currently insufficient to determine the role of this variant in disease. Therefore, it has been classified as a Variant of Uncertain Significance.

NM_022168.4(IFIH1):c.1847C>T (p.Thr616Ile)

Gene: IFIH1 (interferon induced with helicase C domain 1; minus strand). Cytogenetic location: 2q24.2.
Variant type: single nucleotide variant.
Coding change: c.1847C>T on transcript NM_022168.4 (MANE Select); coding-DNA position 1847, C replaced by T.
Protein change: p.Thr616Ile; replaces threonine 616 with isoleucine.
Molecular consequence: missense variant.
Genome position (GRCh38, 1-based): chr2:162,277,612, G>A on the plus strand (C>T on the coding strand, the complement: IFIH1 is on the minus strand). VCF-style: chr2-162277612-G-A. GRCh37 (hg19) VCF-style: chr2-163134122-G-A.
Other names: short protein forms T616I.
Identifiers: ClinVar variation 2083414 (VCV002083414.4), dbSNP rs1461536536, ClinGen allele CA348999576.